The following is an entry in ClinVar:

ClinVar aggregate classification (germline): Pathogenic (1 of 4 stars; one submission).

Submission:

CeGaT Center for Human Genetics Tuebingen
Classification: Pathogenic. Last evaluated: 2024-11-01. Review status: criteria provided, single submitter. Criteria: CeGaT Center For Human Genetics Tuebingen Variant Classification Criteria Version 2. Collection method: clinical testing. Allele origin: germline. Affected: yes. Observed: 1 variant allele.
Comment: PALB2: PVS1, PM2

NM_024675.4(PALB2):c.1881_1885del (p.Lys628fs)

Gene: PALB2 (partner and localizer of BRCA2; minus strand). Cytogenetic location: 16p12.2.
Variant type: Deletion.
Coding change: c.1881_1885del on transcript NM_024675.4 (MANE Select); coding-DNA positions 1881 to 1885, 5 bases deleted (GAAGT; older notation c.1881_1885delGAAGT).
Protein change: p.Lys628fs; shifts the reading frame from lysine 628.
Molecular consequence: frameshift variant. On other transcripts: intron variant (1).
Genome position (GRCh38, 1-based): chr16:23,630,269-23,630,273, ACTTC deleted on the plus strand (GAAGT on the coding strand, the reverse complement: PALB2 is on the minus strand); deleting any 5 consecutive bases within chr16:23,630,269-23,630,277 gives the same sequence; the c. name uses the placement nearest the transcript's 3' end. VCF-style (leftmost placement, unchanged base first): chr16-23630268-GACTTC-G. GRCh37 (hg19) VCF-style: chr16-23641589-GACTTC-G.
Other names: c.1821_1825del, p.Lys608fs (NM_001407296.1); c.1881_1885del, p.Lys628fs (NM_001407297.1, NM_001407298.1, NM_001407299.1 and 3 more transcripts); c.996_1000del, p.Lys333fs (NM_001407304.1, NM_001407305.1, NM_001407306.1 and 5 more transcripts); c.93_97del, p.Lys32fs (NM_001407312.1, NM_001407313.1); c.49-998_49-994del (NM_001407314.1); short protein forms K32fs, K333fs, K608fs, K628fs.
Identifiers: ClinVar variation 3390203 (VCV003390203.14).